The following is an entry in ClinVar:

NM_002907.4(RECQL):c.1553C>A (p.Ser518Tyr)

Gene: RECQL (RecQ like helicase; minus strand). Cytogenetic location: 12p12.1.
Variant type: single nucleotide variant.
Coding change: c.1553C>A on transcript NM_002907.4 (MANE Select); coding-DNA position 1553, C replaced by A.
Protein change: p.Ser518Tyr; replaces serine 518 with tyrosine.
Molecular consequence: missense variant.
Genome position (GRCh38, 1-based): chr12:21,471,542, G>T on the plus strand (C>A on the coding strand, the complement: RECQL is on the minus strand). VCF-style: chr12-21471542-G-T. GRCh37 (hg19) VCF-style: chr12-21624476-G-T.
Other names: c.1553C>A, p.Ser518Tyr (NM_032941.3); short protein forms S518Y.
Identifiers: ClinVar variation 3222938 (VCV003222938.1), dbSNP rs1942964650, ClinGen allele CA384116165.
Genomic context (GRCh38, chr12:21,471,542, plus strand): 5'-GGAAGTGTGGGAGCCACAACACCTGCTACTCTCAGTTTTGCTGCACCCTTTCCCATCCAA[G>T]AATCAATCAGTTTCAATGGAGTGAGTTTTTCATTCAGTTCCTCTGCCTGCTTCAGGATCT-3'
Protein context (NP_002898.2, residues 508-528): EKLTPLKLID[Ser518Tyr]WMGKGAAKLR

ClinVar aggregate classification (germline): Uncertain significance (1 of 4 stars; one submission).

Allele frequency attached by ClinVar (database versions not stated): gnomAD exomes below 0.00001; TOPMed below 0.00001.
gnomAD v4.1: 1 of 1,612,306 alleles (0.000062%); highest among the groups gnomAD compares: South Asian, 0.0011%; no homozygotes.

Submission:

Ambry Genetics
Classification: Uncertain significance. Last evaluated: 2024-01-29. Review status: criteria provided, single submitter. Criteria: Ambry Variant Classification Scheme 2023. Collection method: clinical testing. Allele origin: germline.
Comment: The p.S518Y variant (also known as c.1553C>A), located in coding exon 12 of the RECQL gene, results from a C to A substitution at nucleotide position 1553. The serine at codon 518 is replaced by tyrosine, an amino acid with dissimilar properties. This amino acid position is conserved. In addition, this alteration is predicted to be tolerated by in silico analysis. Based on the available evidence, the clinical significance of this alteration remains unclear.